The following is an entry in ClinVar:

ClinVar aggregate classification (germline): Uncertain significance. Review status: criteria provided, multiple submitters, no conflicts (2 of 4 stars). 2 submissions from 2 submitters: Uncertain significance (2). Last evaluated 2025-06-15.

Conditions:
Inborn genetic diseases. Identifiers: MedGen C0950123, MeSH D030342.
Baller-Gerold syndrome (BGS). Also called: CRANIOSYNOSTOSIS WITH RADIAL DEFECTS. Identifiers: Orphanet 1225, MedGen C0265308, MONDO:0009039, OMIM 218600.

Allele frequency attached by ClinVar (database versions not stated): gnomAD exomes below 0.00001 and 0.00001.
gnomAD v4.1: 4 of 1,612,794 alleles (0.00025%); highest among the groups gnomAD compares: Middle Eastern, 0.033%; 1 homozygote.

Submissions (2):

Ambry Genetics
Classification: Uncertain significance for Inborn genetic diseases. Last evaluated: 2025-06-15. Review status: criteria provided, single submitter. Criteria: Ambry Variant Classification Scheme 2023. Collection method: clinical testing. Allele origin: germline.
Comment: The p.E431G variant (also known as c.1292A>G), located in coding exon 7 of the RECQL4 gene, results from an A to G substitution at nucleotide position 1292. The glutamic acid at codon 431 is replaced by glycine, an amino acid with similar properties. This amino acid position is conserved. In addition, this alteration is predicted to be tolerated by in silico analysis. Based on the available evidence, the clinical significance of this variant remains unclear.

Labcorp Genetics (formerly Invitae), Labcorp
Classification: Uncertain significance for Baller-Gerold syndrome. Last evaluated: 2022-09-24. Review status: criteria provided, single submitter. Criteria: Invitae Variant Classification Sherloc (09022015). Collection method: clinical testing. Allele origin: germline.
Comment: In summary, the available evidence is currently insufficient to determine the role of this variant in disease. Therefore, it has been classified as a Variant of Uncertain Significance. Algorithms developed to predict the effect of missense changes on protein structure and function output the following: SIFT: "Not Available"; PolyPhen-2: "Not Available"; Align-GVGD: "Not Available". The glycine amino acid residue is found in multiple mammalian species, which suggests that this missense change does not adversely affect protein function. ClinVar contains an entry for this variant (Variation ID: 950653). This variant has not been reported in the literature in individuals affected with RECQL4-related conditions. This variant is present in population databases (no rsID available, gnomAD 0.007%). This sequence change replaces glutamic acid, which is acidic and polar, with glycine, which is neutral and non-polar, at codon 431 of the RECQL4 protein (p.Glu431Gly).

NM_004260.4(RECQL4):c.1292A>G (p.Glu431Gly)

Gene: RECQL4 (RecQ like helicase 4; minus strand). Cytogenetic location: 8q24.3.
Variant type: single nucleotide variant.
Coding change: c.1292A>G on transcript NM_004260.4 (MANE Select); coding-DNA position 1292, A replaced by G.
Protein change: p.Glu431Gly; replaces glutamic acid 431 with glycine.
Molecular consequence: missense variant.
Genome position (GRCh38, 1-based): chr8:144,515,424, T>C on the plus strand (A>G on the coding strand, the complement: RECQL4 is on the minus strand). VCF-style: chr8-144515424-T-C. GRCh37 (hg19) VCF-style: chr8-145740808-T-C.
Other names: short protein forms E431G.
Identifiers: ClinVar variation 950653 (VCV000950653.6), dbSNP rs1342271031, ClinGen allele CA372685868.
Genomic context (GRCh38, chr8:144,515,424, plus strand): 5'-AGCACGGTGGGGTCCAGGCTGGGCACCTCAGGTACAGGTTGTGGTGAAGGAACCAGTGGC[T>C]CAGGCCCAACAGCATCTGTGTCTTCCTCACTTGCTGGGGCAGGCAGGAGAGGGTAGAATG-3'
Protein context (NP_004251.4, residues 421-441): SEEDTDAVGP[Glu431Gly]PLVPSPQPVP